The following is an entry in ClinVar:

ClinVar aggregate classification (germline): Likely benign (1 of 4 stars; one submission).

Allele frequency attached by ClinVar (database versions not stated): TOPMed 0.00179; ExAC 0.00231; gnomAD 0.00241; gnomAD exomes 0.00280; ESP Exome Variant Server 0.00306.
gnomAD v4.1: 4,375 of 1,613,462 alleles (0.27%); highest among the groups gnomAD compares: Non-Finnish European, 0.33%; 14 homozygotes.

Submission:

CeGaT Center for Human Genetics Tuebingen
Classification: Likely benign. Last evaluated: 2022-07-01. Review status: criteria provided, single submitter. Criteria: CeGaT Center For Human Genetics Tuebingen Variant Classification Criteria Version 2. Collection method: clinical testing. Allele origin: germline. Affected: yes. Observed: 1 variant allele.
Comment: EPHA6: BP4, BP7

NM_001080448.3(EPHA6):c.1842G>A (p.Ala614=)

Gene: EPHA6 (EPH receptor A6; plus strand). Cytogenetic location: 3q11.2.
Variant type: single nucleotide variant.
Coding change: c.1842G>A on transcript NM_001080448.3 (MANE Select); coding-DNA position 1842, G replaced by A.
Protein change: p.Ala614=; no amino-acid change (alanine 614 retained).
Molecular consequence: synonymous variant. On other transcripts: 5 prime UTR variant (2).
Genome position (GRCh38, 1-based): chr3:97,448,678, G>A. VCF-style: chr3-97448678-G-A. GRCh37 (hg19) VCF-style: chr3-97167522-G-A.
Other names: c.-47G>A (NM_001278300.2, NM_173655.4).
Identifiers: ClinVar variation 2653991 (VCV002653991.24), dbSNP rs56147502, ClinGen allele CA2505273.